The following is an entry in ClinVar:

NM_000026.4(ADSL):c.907C>T (p.Arg303Cys)

Gene: ADSL (adenylosuccinate lyase; plus strand). Cytogenetic location: 22q13.1.
Variant type: single nucleotide variant.
Coding change: c.907C>T on transcript NM_000026.4 (MANE Select); coding-DNA position 907, C replaced by T.
Protein change: p.Arg303Cys; replaces arginine 303 with cysteine.
Molecular consequence: missense variant. On other transcripts: non-coding transcript variant (1).
Genome position (GRCh38, 1-based): chr22:40,361,532, C>T. VCF-style: chr22-40361532-C-T. GRCh37 (hg19) VCF-style: chr22-40757536-C-T.
Other names: c.907C>T, p.Arg303Cys (NM_001123378.3, NM_001363840.3); c.715C>T, p.Arg239Cys (NM_001317923.2); c.907C>T (NM_000026.3); short protein forms R303C, R239C.
Identifiers: ClinVar variation 289379 (VCV000289379.12), dbSNP rs373458753, ClinGen allele CA10247868.

ClinVar aggregate classification (germline): Pathogenic/Likely pathogenic. Review status: criteria provided, multiple submitters, no conflicts (2 of 4 stars). 4 submissions from 4 submitters: Pathogenic (3); Likely pathogenic (1). Last evaluated 2026-07-10.

Conditions:
Adenylosuccinate lyase deficiency (ADSLD). Also called: ADSL DEFICIENCY. Identifiers: Orphanet 46, MedGen C0268126, MONDO:0007068, OMIM 103050.

Allele frequency attached by ClinVar (database versions not stated): TOPMed 0.00005; gnomAD exomes 0.00001 and 0.00002; ExAC 0.00004; gnomAD 0.00005; ESP Exome Variant Server 0.00008.
gnomAD v4.1: 18 of 1,614,088 alleles (0.0011%); highest among the groups gnomAD compares: African/African-American, 0.0067%; no homozygotes.

Submissions (4):

GeneDx
Classification: Likely pathogenic. Last evaluated: 2026-07-10. Review status: criteria provided, single submitter. Criteria: GeneDx Variant Classification Process June 2021. Collection method: clinical testing. Allele origin: germline.
Comment: Published functional studies demonstrate the variant results in a reduction in enzyme activity (PMID: 23714113, 20127976); In silico analysis supports that this missense variant has a deleterious effect on protein structure/function; This variant is associated with the following publications: (PMID: 36338215, 22812634, 20127976, 10090474, 10958654, 11783532, 3234432, 31440721, 23714113, 22180458)

Labcorp Genetics (formerly Invitae), Labcorp
Classification: Pathogenic for Adenylosuccinate lyase deficiency. Last evaluated: 2025-07-14. Review status: criteria provided, single submitter. Criteria: Invitae Variant Classification Sherloc (09022015). Collection method: clinical testing. Allele origin: germline.
Comment: This sequence change replaces arginine, which is basic and polar, with cysteine, which is neutral and slightly polar, at codon 303 of the ADSL protein (p.Arg303Cys). This variant is present in population databases (rs373458753, gnomAD 0.02%). This missense change has been observed in individual(s) with clinical features of adenylosuccinate lyase deficiency (PMID: 3234432, 10090474, 10958654). ClinVar contains an entry for this variant (Variation ID: 289379). Invitae Evidence Modeling of protein sequence and biophysical properties (such as structural, functional, and spatial information, amino acid conservation, physicochemical variation, residue mobility, and thermodynamic stability) indicates that this missense variant is expected to disrupt ADSL protein function with a positive predictive value of 80%. Experimental studies have shown that this missense change affects ADSL function (PMID: 10958654, 20127976, 22812634, 23714113). For these reasons, this variant has been classified as Pathogenic.

Women's Health and Genetics/Laboratory Corporation of America, LabCorp
Classification: Pathogenic for Adenylosuccinate lyase deficiency. Last evaluated: 2023-02-25. Review status: criteria provided, single submitter. Criteria: LabCorp Variant Classification Summary - May 2015. Collection method: clinical testing. Allele origin: germline.
Comment: Variant summary: ADSL c.907C>T (p.Arg303Cys) results in a non-conservative amino acid change located in the Fumarate lyase, N-terminal domain (IPR022761) of the encoded protein sequence. Five of five in-silico tools predict a damaging effect of the variant on protein function. The variant allele was found at a frequency of 2.4e-05 in 251476 control chromosomes (gnomAD). c.907C>T has been reported in the literature as a biallelic genotype in individuals affected with Adenylosuccinate Lyase Deficiency (e.g. Marie_1999, Race_2000, Zikanova_2010). These data indicate that the variant is likely to be associated with disease. Several publications indicate that the variant protein has reduced enzymatic activity for the conversion of S-AMP and SAICAR with recorded activity levels of 4.5-18% and 26-44% of wildtype, respectively (e.g. Race_2000, Zikanova_2010, Ray_2012). Two ClinVar submitters have assessed the variant since 2014: both classified the variant as pathogenic. Based on the evidence outlined above, the variant was classified as pathogenic.

Eurofins Ntd Llc (ga)
Classification: Pathogenic. Last evaluated: 2016-07-26. Review status: criteria provided, single submitter. Criteria: EGL Classification Definitions 2015. Collection method: clinical testing. Allele origin: germline. Observed: 1 variant allele, 1 heterozygote.

Literature cited by the submitters: PubMed 3234432 (cited by Labcorp Genetics (formerly Invitae), Labcorp); PubMed 10090474 (cited by Labcorp Genetics (formerly Invitae), Labcorp and Women's Health and Genetics/Laboratory Corporation of America, LabCorp); PubMed 10958654 (cited by Labcorp Genetics (formerly Invitae), Labcorp and Women's Health and Genetics/Laboratory Corporation of America, LabCorp); PubMed 20127976 (cited by Labcorp Genetics (formerly Invitae), Labcorp and Women's Health and Genetics/Laboratory Corporation of America, LabCorp); PubMed 22812634 (cited by Labcorp Genetics (formerly Invitae), Labcorp and Women's Health and Genetics/Laboratory Corporation of America, LabCorp); PubMed 23714113 (cited by Labcorp Genetics (formerly Invitae), Labcorp).